The following is an entry in ClinVar:

NM_006258.4(PRKG1):c.1186A>C (p.Ser396Arg)

Gene: PRKG1 (protein kinase cGMP-dependent 1; plus strand). Cytogenetic location: 10q21.1.
Variant type: single nucleotide variant.
Coding change: c.1186A>C on transcript NM_006258.4 (MANE Select); coding-DNA position 1186, A replaced by C.
Protein change: p.Ser396Arg; replaces serine 396 with arginine.
Molecular consequence: missense variant. On other transcripts: 5 prime UTR variant (1).
Genome position (GRCh38, 1-based): chr10:52,271,362, A>C. VCF-style: chr10-52271362-A-C. GRCh37 (hg19) VCF-style: chr10-54031122-A-C.
Other names: c.1141A>C, p.Ser381Arg (NM_001098512.3); c.-24A>C (NM_001374781.1); short protein forms S381R, S396R.
Identifiers: ClinVar variation 4842688 (VCV004842688.1).

ClinVar aggregate classification (germline): Uncertain significance (1 of 4 stars; one submission).

Conditions:
Familial thoracic aortic aneurysm and aortic dissection (TAAD). Also called: Thoracic aortic aneurysms and dissections. Identifiers: Orphanet 91387, MedGen C4707243, MONDO:0019625.

Submission:

Ambry Genetics
Classification: Uncertain significance for Familial thoracic aortic aneurysm and aortic dissection. Last evaluated: 2025-12-19. Review status: criteria provided, single submitter. Criteria: Ambry Variant Classification Scheme 2023. Collection method: clinical testing. Allele origin: germline.
Comment: The p.S396R variant (also known as c.1186A>C), located in coding exon 11 of the PRKG1 gene, results from an A to C substitution at nucleotide position 1186. The serine at codon 396 is replaced by arginine, an amino acid with dissimilar properties. This amino acid position is conserved. In addition, this alteration is predicted to be tolerated by in silico analysis. Based on the available evidence, the clinical significance of this variant remains unclear.